The following is an entry in ClinVar:

NM_021973.3(HAND2):c.82GCC[6] (p.Ala32_Ser33insAla)

Genes: HAND2 (heart and neural crest derivatives expressed 2; minus strand), HAND2-AS1 (HAND2 antisense RNA 1; plus strand). Cytogenetic location: 4q34.1.
Variant type: Microsatellite.
Coding change: c.82GCC[6] on transcript NM_021973.3 (MANE Select); six copies in a row of the 3-base unit GCC starting at c.82; the reference has five copies in a row; one copy, 3 bases duplicated.
Protein change: p.Ala32_Ser33insAla.
Molecular consequence: inframe insertion.
Genome position (GRCh38, 1-based): chr4:173,529,194-173,529,196, GGC duplicated on the plus strand (GCC on the coding strand, the reverse complement: HAND2 is on the minus strand); duplicating any 3 consecutive bases within chr4:173,529,194-173,529,208 gives the same sequence; the position shown is the placement nearest the transcript's 3' end. VCF-style (leftmost placement, unchanged base first): chr4-173529193-T-TGGC. GRCh37 (hg19) VCF-style: chr4-174450344-T-TGGC.
Identifiers: ClinVar variation 1914639 (VCV001914639.5), dbSNP rs756945261, ClinGen allele CA1513834803.

ClinVar aggregate classification (germline): Uncertain significance (1 of 4 stars; one submission).

Submission:

Labcorp Genetics (formerly Invitae), Labcorp
Classification: Uncertain significance. Last evaluated: 2022-04-25. Review status: criteria provided, single submitter. Criteria: Invitae Variant Classification Sherloc (09022015). Collection method: clinical testing. Allele origin: germline.
Comment: In summary, the available evidence is currently insufficient to determine the role of this variant in disease. Therefore, it has been classified as a Variant of Uncertain Significance. This variant has not been reported in the literature in individuals affected with HAND2-related conditions. This variant is not present in population databases (gnomAD no frequency). This variant, c.94_96dup, results in the insertion of 1 amino acid(s) of the HAND2 protein (p.Ala32dup), but otherwise preserves the integrity of the reading frame.